The following is an entry in ClinVar:

NM_006908.5(RAC1):c.226-1444_226-1440dup

Gene: RAC1 (Rac family small GTPase 1; plus strand). Cytogenetic location: 7p22.1.
Variant type: Duplication.
Coding change: c.226-1444_226-1440dup on transcript NM_006908.5 (MANE Select); 1444 bases into the intron before coding-DNA position 226 through 1440 bases into the intron before coding-DNA position 226, 5 bases duplicated (GGATA; older notation c.226-1444_226-1440dupGGATA).
Molecular consequence: intron variant. On other transcripts: frameshift variant (1).
Genome position (GRCh38, 1-based): chr7:6,398,682-6,398,686, GGATA duplicated; duplicating any 5 consecutive bases within chr7:6,398,681-6,398,686 gives the same sequence; the c. name uses the placement nearest the transcript's 3' end. VCF-style (leftmost placement, unchanged base first): chr7-6398680-A-AAGGAT. GRCh37 (hg19) VCF-style: chr7-6438311-A-AAGGAT.
Other names: c.246_250dup, p.Ile84fs (NM_018890.4); short protein forms I84fs.
Identifiers: ClinVar variation 1804617 (VCV001804617.1), dbSNP rs2534041319, ClinGen allele CA2580076803.
Genomic context (GRCh38, chr7:6,398,680, plus strand): 5'-CAGTCTGTACTAAACTCAAACCAAGTTCTCATGCATTACTAGGTTGGAGAAACGTACGGT[A>AAGGAT]AGGATATAACCTCCCGGGGCAAAGACAAGCCGATTGCCGTATGTAAAACTTTCAGTCCAC-3'

ClinVar aggregate classification (germline): Uncertain significance (1 of 4 stars; one submission).

Submission:

GeneDx
Classification: Uncertain significance. Last evaluated: 2022-06-15. Review status: criteria provided, single submitter. Criteria: GeneDx Variant Classification Process June 2021. Collection method: clinical testing. Allele origin: germline. Affected: yes.
Comment: Not observed at significant frequency in large population cohorts (gnomAD); Frameshift variant predicted to result in protein truncation or nonsense mediated decay in a gene or region of a gene for which loss of function is not a well-established mechanism of disease; Has not been previously published as pathogenic or benign to our knowledge.